The following is an entry in ClinVar:

ClinVar aggregate classification (germline): Uncertain significance (1 of 4 stars; one submission).

Allele frequency attached by ClinVar (database versions not stated): gnomAD exomes below 0.00001.
gnomAD v4.1: 5 of 1,610,990 alleles (0.00031%); highest among the groups gnomAD compares: South Asian, 0.0011%; no homozygotes.

Submission:

GeneDx
Classification: Uncertain significance. Last evaluated: 2019-06-17. Review status: criteria provided, single submitter. Criteria: GeneDx Variant Classification Process June 2021. Collection method: clinical testing. Allele origin: germline. Affected: yes.
Comment: Has not been previously published as pathogenic or benign to our knowledge; Not observed in large population cohorts (Lek et al., 2016); In silico analysis, which includes protein predictors and evolutionary conservation, supports a deleterious effect

NM_001854.4(COL11A1):c.709G>A (p.Glu237Lys)

Gene: COL11A1 (collagen type XI alpha 1 chain; minus strand). Cytogenetic location: 1p21.1.
Variant type: single nucleotide variant.
Coding change: c.709G>A on transcript NM_001854.4 (MANE Select); coding-DNA position 709, G replaced by A.
Protein change: p.Glu237Lys; replaces glutamic acid 237 with lysine.
Molecular consequence: missense variant. On other transcripts: non-coding transcript variant (1).
Genome position (GRCh38, 1-based): chr1:103,031,187, C>T on the plus strand (G>A on the coding strand, the complement: COL11A1 is on the minus strand). VCF-style: chr1-103031187-C-T. GRCh37 (hg19) VCF-style: chr1-103496743-C-T.
Other names: c.709G>A, p.Glu237Lys (NM_001190709.2, NM_080629.3, NM_080630.4); short protein forms E237K.
Identifiers: ClinVar variation 1306619 (VCV001306619.2), dbSNP rs2101995328, ClinGen allele CA341159627.
Genomic context (GRCh38, chr1:103,031,187, plus strand): 5'-GAGGTTCCTGAGCTTGAGCAGCCTTGGGTGCTGAAGAGTCACAGTCTGGACTATAATGCT[C>T]ACAGTAGTCATATGCTGCCTTGGGATCACCTGTGATCAAAAACTGCTGAATGTCCCCCTG-3'
Protein context (NP_001845.3, residues 227-247): GDPKAAYDYC[Glu237Lys]HYSPDCDSSA